The following is an entry in ClinVar:

ClinVar aggregate classification (germline): Uncertain significance (1 of 4 stars; one submission).

Conditions:
Mucopolysaccharidosis, MPS-II (MPS2). Also called: Attenuated MPS (subtype; formerly known as mild MPS II); Severe MPS II; I2S deficiency; MPS 2; Hunter Syndrome; IDS deficiency. Identifiers: Orphanet 580, Orphanet 79388, MedGen C0026705, MONDO:0010674, OMIM 309900.

Submission:

Labcorp Genetics (formerly Invitae), Labcorp
Classification: Uncertain significance for Mucopolysaccharidosis, MPS-II. Last evaluated: 2025-05-19. Review status: criteria provided, single submitter. Criteria: Invitae Variant Classification Sherloc (09022015). Collection method: clinical testing. Allele origin: germline.
Comment: This sequence change replaces proline, which is neutral and non-polar, with alanine, which is neutral and non-polar, at codon 364 of the IDS protein (p.Pro364Ala). This variant is not present in population databases (gnomAD no frequency). This variant has not been reported in the literature in individuals affected with IDS-related conditions. ClinVar contains an entry for this variant (Variation ID: 2127724). Invitae Evidence Modeling of protein sequence and biophysical properties (such as structural, functional, and spatial information, amino acid conservation, physicochemical variation, residue mobility, and thermodynamic stability) indicates that this missense variant is expected to disrupt IDS protein function with a positive predictive value of 80%. In summary, the available evidence is currently insufficient to determine the role of this variant in disease. Therefore, it has been classified as a Variant of Uncertain Significance.

NM_000202.8(IDS):c.1090C>G (p.Pro364Ala)

Genes: IDS (iduronate 2-sulfatase; minus strand), LOC106050102 (IDS recombination region; plus strand). Cytogenetic location: Xq28.
Variant type: single nucleotide variant.
Coding change: c.1090C>G on transcript NM_000202.8 (MANE Select); coding-DNA position 1090, C replaced by G.
Protein change: p.Pro364Ala; replaces proline 364 with alanine.
Molecular consequence: missense variant.
Genome position (GRCh38, 1-based): chrX:149,487,015, G>C on the plus strand (C>G on the coding strand, the complement: IDS is on the minus strand). VCF-style: chrX-149487015-G-C. GRCh37 (hg19) VCF-style: chrX-148568546-G-C.
Other names: c.820C>G, p.Pro274Ala (NM_001166550.4); short protein forms P274A, P364A.
Identifiers: ClinVar variation 2127724 (VCV002127724.4), dbSNP rs2124005937, ClinGen allele CA414518854.